The following is an entry in ClinVar:

ClinVar aggregate classification (germline): Uncertain significance (1 of 4 stars; one submission).

Submission:

GeneDx
Classification: Uncertain significance. Last evaluated: 2025-04-23. Review status: criteria provided, single submitter. Criteria: GeneDx Variant Classification Process June 2021. Collection method: clinical testing. Allele origin: germline. Affected: yes.
Comment: Not observed at significant frequency in large population cohorts (gnomAD); In silico analysis supports that this missense variant has a deleterious effect on protein structure/function; Has not been previously published as pathogenic or benign to our knowledge

NM_015570.4(AUTS2):c.3079G>C (p.Gly1027Arg)

Gene: AUTS2 (activator of transcription and developmental regulator AUTS2; plus strand). Cytogenetic location: 7q11.22.
Variant type: single nucleotide variant.
Coding change: c.3079G>C on transcript NM_015570.4 (MANE Select); coding-DNA position 3079, G replaced by C.
Protein change: p.Gly1027Arg; replaces glycine 1027 with arginine.
Molecular consequence: missense variant.
Genome position (GRCh38, 1-based): chr7:70,790,295, G>C. VCF-style: chr7-70790295-G-C. GRCh37 (hg19) VCF-style: chr7-70255281-G-C.
Other names: c.3007G>C, p.Gly1003Arg (NM_001127231.3); short protein forms G1003R, G1027R.
Identifiers: ClinVar variation 4527294 (VCV004527294.1).
Genomic context (GRCh38, chr7:70,790,295, plus strand): 5'-CCTCCCAACTCCTCGTCCAGCGTGCACCCGGGGCCCCTGGCCTCGATGCCCATGACGGTG[G>C]GGGTGACGGGCATTCACCCCATGAACAGCATCAGCAGCCTGGACAGGACTCGCATGATGA-3'
Protein context (NP_056385.1, residues 1017-1037): GPLASMPMTV[Gly1027Arg]VTGIHPMNSI